The following is an entry in ClinVar:

NM_004086.3(COCH):c.1264A>G (p.Thr422Ala)

Genes: COCH (cochlin; plus strand), COCH-AS1 (COCH antisense RNA 1; minus strand). Cytogenetic location: 14q12.
Variant type: single nucleotide variant.
Coding change: c.1264A>G on transcript NM_004086.3 (MANE Select); coding-DNA position 1264, A replaced by G.
Protein change: p.Thr422Ala; replaces threonine 422 with alanine.
Molecular consequence: missense variant. On other transcripts: non-coding transcript variant (1).
Genome position (GRCh38, 1-based): chr14:30,886,099, A>G. VCF-style: chr14-30886099-A-G. GRCh37 (hg19) VCF-style: chr14-31355305-A-G.
Other names: c.1459A>G, p.Thr487Ala (NM_001347720.2); c.1264A>G (NM_004086.2); c.1264A>G, p.Thr422Ala (NM_001135058.2); short protein forms T422A, T487A.
Identifiers: ClinVar variation 2817298 (VCV002817298.4), dbSNP rs2502754044, ClinGen allele CA389348644.

ClinVar aggregate classification (germline): Uncertain significance. Review status: criteria provided, multiple submitters, no conflicts (2 of 4 stars). 2 submissions from 2 submitters: Uncertain significance (2). Last evaluated 2024-06-28.

Conditions:
Inborn genetic diseases. Identifiers: MedGen C0950123, MeSH D030342.

Submissions (2):

Ambry Genetics
Classification: Uncertain significance for Inborn genetic diseases. Last evaluated: 2024-06-28. Review status: criteria provided, single submitter. Criteria: Ambry Variant Classification Scheme 2023. Collection method: clinical testing. Allele origin: germline.

Labcorp Genetics (formerly Invitae), Labcorp
Classification: Uncertain significance. Last evaluated: 2022-11-29. Review status: criteria provided, single submitter. Criteria: Invitae Variant Classification Sherloc (09022015). Collection method: clinical testing. Allele origin: germline.
Comment: In summary, the available evidence is currently insufficient to determine the role of this variant in disease. Therefore, it has been classified as a Variant of Uncertain Significance. Advanced modeling of protein sequence and biophysical properties (such as structural, functional, and spatial information, amino acid conservation, physicochemical variation, residue mobility, and thermodynamic stability) performed at Invitae indicates that this missense variant is not expected to disrupt COCH protein function. This variant has not been reported in the literature in individuals affected with COCH-related conditions. This variant is not present in population databases (gnomAD no frequency). This sequence change replaces threonine, which is neutral and polar, with alanine, which is neutral and non-polar, at codon 422 of the COCH protein (p.Thr422Ala).